The following is an entry in ClinVar:

NM_007194.4(CHEK2):c.983T>G (p.Phe328Cys)

Gene: CHEK2 (checkpoint kinase 2; minus strand). Cytogenetic location: 22q12.1.
Variant type: single nucleotide variant.
Coding change: c.983T>G on transcript NM_007194.4 (MANE Select); coding-DNA position 983, T replaced by G.
Protein change: p.Phe328Cys; replaces phenylalanine 328 with cysteine.
Molecular consequence: missense variant.
Genome position (GRCh38, 1-based): chr22:28,699,863, A>C on the plus strand (T>G on the coding strand, the complement: CHEK2 is on the minus strand). VCF-style: chr22-28699863-A-C. GRCh37 (hg19) VCF-style: chr22-29095851-A-C.
Other names: c.1112T>G, p.Phe371Cys (NM_001005735.3); c.320T>G, p.Phe107Cys (NM_001257387.3); c.782T>G, p.Phe261Cys (NM_001349956.3); c.983T>G, p.Phe328Cys (NM_145862.3); short protein forms F328C, F107C, F261C, F371C.
Identifiers: ClinVar variation 479600 (VCV000479600.5), dbSNP rs1555915377, ClinGen allele CA411099544.
Genomic context (GRCh38, chr22:28,699,863, plus strand): 5'-AGGCAGCTGTCAAAAGAATTGAGGGCTTCTTTTACCTGCACAGCCAAGAGCATCTGGTAA[A>C]AATAGAGCTTGCAGGTAGCTTCTTTCAGGCGTTTATTCCCCACCACTTTGTCAAACAGCT-3'
Protein context (NP_009125.1, residues 318-338): RLKEATCKLY[Phe328Cys]YQMLLAVQYL

ClinVar aggregate classification (germline): Uncertain significance (1 of 4 stars; one submission).

Conditions:
Hereditary cancer-predisposing syndrome. Also called: Hereditary Cancer Syndrome; Neoplastic Syndromes, Hereditary; Tumor predisposition; Hereditary neoplastic syndrome. Identifiers: Orphanet 140162, MedGen C0027672, MeSH D009386, MONDO:0015356.

Submission:

Ambry Genetics
Classification: Uncertain significance for Hereditary cancer-predisposing syndrome. Last evaluated: 2017-04-14. Review status: criteria provided, single submitter. Criteria: Ambry Variant Classification Scheme 2023. Collection method: clinical testing. Allele origin: germline.
Comment: The p.F328C variant (also known as c.983T>G), located in coding exon 8 of the CHEK2 gene, results from a T to G substitution at nucleotide position 983. The phenylalanine at codon 328 is replaced by cysteine, an amino acid with highly dissimilar properties. This amino acid position is highly conserved in available vertebrate species. In addition, this alteration is predicted to be deleterious by in silico analysis. Since supporting evidence is limited at this time, the clinical significance of this alteration remains unclear.